The following is an entry in ClinVar:

NM_000277.3(PAH):c.808A>G (p.Arg270Gly)

Gene: PAH (phenylalanine hydroxylase; minus strand). Cytogenetic location: 12q23.2.
Variant type: single nucleotide variant.
Coding change: c.808A>G on transcript NM_000277.3 (MANE Select); coding-DNA position 808, A replaced by G.
Protein change: p.Arg270Gly; replaces arginine 270 with glycine.
Molecular consequence: missense variant.
Genome position (GRCh38, 1-based): chr12:102,852,849, T>C on the plus strand (A>G on the coding strand, the complement: PAH is on the minus strand). VCF-style: chr12-102852849-T-C. GRCh37 (hg19) VCF-style: chr12-103246627-T-C.
Other names: c.808A>G, p.Arg270Gly (NM_001354304.2); c.808A>G (NM_000277.2); short protein forms R270G.
Identifiers: ClinVar variation 102845 (VCV000102845.2), dbSNP rs199475690, ClinGen allele CA229779.

ClinVar aggregate classification (germline): Pathogenic. Review status: criteria provided, single submitter (1 of 4 stars). 2 submissions from 2 submitters: Pathogenic (1). 1 of the submissions does not count toward it. Last evaluated 2024-10-08.

Conditions:
Phenylketonuria (PKU). Also called: Phenylketonuria (PKU); FOLLING DISEASE; OLIGOPHRENIA PHENYLPYRUVICA; Phenylketonurias. Identifiers: Orphanet 716, MedGen C0031485, MONDO:0009861, OMIM 261600. Disease mechanism: loss of function.

Allele frequency attached by ClinVar (database versions not stated): gnomAD exomes below 0.00001.
gnomAD v4.1: 3 of 1,614,026 alleles (0.00019%); highest among the groups gnomAD compares: Non-Finnish European, 0.00025%; no homozygotes.

Submissions (2):

Victorian Clinical Genetics Services, Murdoch Childrens Research Institute
Classification: Pathogenic for Phenylketonuria. Last evaluated: 2024-10-08. Review status: criteria provided, single submitter. Criteria: ACMG Guidelines, 2015. Collection method: clinical testing. Allele origin: germline. Inheritance: Autosomal recessive inheritance. Affected: yes.
Comment: Based on the classification scheme VCGS_Germline_v1.3.4, this variant is classified as Pathogenic. Following criteria are met: 0102 - Loss of function is a known mechanism of disease in this gene and is associated with phenylketonuria and hyperphenylalaninaemia, non-PKU mild (MIM#261600). (I) 0106 - This gene is associated with autosomal recessive disease. (I) 0200 - Variant is predicted to result in a missense amino acid change from arginine to glycine. (I) 0251 - This variant is heterozygous. (I) 0301 - Variant is absent from gnomAD (both v2 and v3). (SP) 0309 - An alternative amino acid change to lysine at the same position has been observed in gnomAD (v2; 4 heterozygotes, 0 homozygotes). (I) 0501 - Missense variant consistently predicted to be damaging by multiple in silico tools or highly conserved with a major amino acid change. (SP) 0601 - Variant is located in the well-established functional biopterin_H domain (DECIPHER; PMID: 18538294). (SP) 0701 - Other missense variants comparable to the one identified in this case have very strong previous evidence for pathogenicity. p.(Arg270Lys), p.(Arg270Ser) and p.(Arg270Ile), have been classified as pathogenic in individuals with phenylketonuria in both its classic and mild forms (ClinVar; PMID: 8518802, 23764561). (SP) 0803 - This variant has limited previous evidence of pathogenicity in an unrelated individuals. It has been reported in the literature in an individual with PKU (PMID: 32668217). (SP) 0905 - No published segregation evidence has been identified for this variant. (I) 1007 - No published functional evidence has been identified for this variant. (I) 1201 - Heterozygous variant detected in trans with a second pathogenic heterozygous variant (NM_000277.2(PAH):c.898G>T, p.(Ala300Ser)) in a recessive disease. (I) Legend: (SP) - Supporting pathogenic, (I) - Information, (SB) - Supporting benign

DeBelle Laboratory for Biochemical Genetics, MUHC/MCH RESEARCH INSTITUTE
No classification provided. Review status: no classification provided. Collection method: not provided. Allele origin: not provided. Not counted in ClinVar's aggregate classification.

Literature cited by the submitters: PubMed 8518802 (cited by Victorian Clinical Genetics Services, Murdoch Childrens Research Institute); PubMed 18538294 (cited by Victorian Clinical Genetics Services, Murdoch Childrens Research Institute); PubMed 23764561 (cited by Victorian Clinical Genetics Services, Murdoch Childrens Research Institute); PubMed 32668217 (cited by Victorian Clinical Genetics Services, Murdoch Childrens Research Institute).